The following is an entry in ClinVar:

ClinVar aggregate classification (germline): Uncertain significance (1 of 4 stars; one submission).

Submission:

Labcorp Genetics (formerly Invitae), Labcorp
Classification: Uncertain significance. Last evaluated: 2023-07-12. Review status: criteria provided, single submitter. Criteria: Invitae Variant Classification Sherloc (09022015). Collection method: clinical testing. Allele origin: germline.
Comment: This sequence change replaces cysteine, which is neutral and slightly polar, with tyrosine, which is neutral and polar, at codon 632 of the RASA2 protein (p.Cys632Tyr). This variant is not present in population databases (gnomAD no frequency). This variant has not been reported in the literature in individuals affected with RASA2-related conditions. Advanced modeling of protein sequence and biophysical properties (such as structural, functional, and spatial information, amino acid conservation, physicochemical variation, residue mobility, and thermodynamic stability) performed at Invitae indicates that this missense variant is not expected to disrupt RASA2 protein function. In summary, the available evidence is currently insufficient to determine the role of this variant in disease. Therefore, it has been classified as a Variant of Uncertain Significance.

NM_006506.5(RASA2):c.1895G>A (p.Cys632Tyr)

Gene: RASA2 (RAS p21 protein activator 2; plus strand). Cytogenetic location: 3q23.
Variant type: single nucleotide variant.
Coding change: c.1895G>A on transcript NM_006506.5 (MANE Select); coding-DNA position 1895, G replaced by A.
Protein change: p.Cys632Tyr; replaces cysteine 632 with tyrosine.
Molecular consequence: missense variant.
Genome position (GRCh38, 1-based): chr3:141,586,714, G>A. VCF-style: chr3-141586714-G-A. GRCh37 (hg19) VCF-style: chr3-141305556-G-A.
Other names: c.1895G>A, p.Cys632Tyr (NM_001303246.3, NM_001303245.3); short protein forms C632Y.
Identifiers: ClinVar variation 2741790 (VCV002741790.3), dbSNP rs2478783255, ClinGen allele CA354782279.